The following is an entry in ClinVar:

NM_002180.3(IGHMBP2):c.2140G>A (p.Gly714Arg)

Gene: IGHMBP2 (immunoglobulin mu DNA binding protein 2; plus strand). Cytogenetic location: 11q13.3.
Variant type: single nucleotide variant.
Coding change: c.2140G>A on transcript NM_002180.3 (MANE Select); coding-DNA position 2140, G replaced by A.
Protein change: p.Gly714Arg; replaces glycine 714 with arginine.
Molecular consequence: missense variant.
Genome position (GRCh38, 1-based): chr11:68,936,620, G>A. VCF-style: chr11-68936620-G-A. GRCh37 (hg19) VCF-style: chr11-68704088-G-A.
Other names: short protein forms G714R.
Identifiers: ClinVar variation 951147 (VCV000951147.18), dbSNP rs146266992, ClinGen allele CA6153845.

ClinVar aggregate classification (germline): Conflicting classifications of pathogenicity. Review status: criteria provided, conflicting classifications (1 of 4 stars). 4 submissions from 4 submitters: Uncertain significance (3); Likely benign (1). Last evaluated 2025-09-24.

Conditions:
Autosomal recessive distal spinal muscular atrophy 1. Also called: Spinal muscular atrophy with respiratory distress 1; HMN VI; NEURONOPATHY, SEVERE INFANTILE AXONAL, WITH RESPIRATORY FAILURE; SEVERE INFANTILE AXONAL NEUROPATHY WITH RESPIRATORY FAILURE; SPINAL MUSCULAR ATROPHY, DIAPHRAGMATIC; NEURONOPATHY, DISTAL HEREDITARY MOTOR, HARDING TYPE VI. Identifiers: Orphanet 98920, MedGen C1858517, MONDO:0011436, OMIM 604320.
Charcot-Marie-Tooth disease axonal type 2S. Also called: CHARCOT-MARIE-TOOTH NEUROPATHY, TYPE 2S; CHARCOT-MARIE-TOOTH DISEASE, AXONAL, AUTOSOMAL RECESSIVE, TYPE 2S. Identifiers: Orphanet 443073, MedGen C4015349, MONDO:0014511, OMIM 616155.
Inborn genetic diseases. Identifiers: MedGen C0950123, MeSH D030342.

Allele frequency attached by ClinVar (database versions not stated): gnomAD exomes 0.00003 and 0.00009; ExAC 0.00010; gnomAD 0.00025 and 0.00028; TOPMed 0.00026; ESP Exome Variant Server 0.00038.
gnomAD v4.1: 80 of 1,613,550 alleles (0.005%); highest among the groups gnomAD compares: African/African-American, 0.096%; no homozygotes.

Submissions (4):

Labcorp Genetics (formerly Invitae), Labcorp
Classification: Likely benign for Autosomal recessive distal spinal muscular atrophy 1; Charcot-Marie-Tooth disease axonal type 2S. Last evaluated: 2025-09-24. Review status: criteria provided, single submitter. Criteria: Invitae Variant Classification Sherloc (09022015). Collection method: clinical testing. Allele origin: germline.

GeneDx
Classification: Uncertain significance. Last evaluated: 2021-09-15. Review status: criteria provided, single submitter. Criteria: GeneDx Variant Classification Process June 2021. Collection method: clinical testing. Allele origin: germline. Affected: yes.
Comment: In silico analysis, which includes protein predictors and evolutionary conservation, supports that this variant does not alter protein structure/function; Has not been previously published as pathogenic or benign to our knowledge

Ambry Genetics
Classification: Uncertain significance for Inborn genetic diseases. Last evaluated: 2021-01-08. Review status: criteria provided, single submitter. Criteria: Ambry Variant Classification Scheme 2023. Collection method: clinical testing. Allele origin: germline.
Comment: The p.G714R variant (also known as c.2140G>A), located in coding exon 13 of the IGHMBP2 gene, results from a G to A substitution at nucleotide position 2140. The glycine at codon 714 is replaced by arginine, an amino acid with dissimilar properties. This amino acid position is poorly conserved in available vertebrate species. In addition, this alteration is predicted to be tolerated by in silico analysis. Since supporting evidence is limited at this time, the clinical significance of this alteration remains unclear.

Revvity Omics, Revvity
Classification: Uncertain significance. Last evaluated: 2019-06-17. Review status: criteria provided, single submitter. Criteria: ACMG Guidelines, 2015. Collection method: clinical testing. Allele origin: germline.